The following is an entry in ClinVar:

NM_001963.6(EGF):c.3550T>C (p.Ser1184Pro)

Gene: EGF (epidermal growth factor; plus strand). Cytogenetic location: 4q25.
Variant type: single nucleotide variant.
Coding change: c.3550T>C on transcript NM_001963.6 (MANE Select); coding-DNA position 3550, T replaced by C.
Protein change: p.Ser1184Pro; replaces serine 1184 with proline.
Molecular consequence: missense variant. On other transcripts: 3 prime UTR variant (1).
Genome position (GRCh38, 1-based): chr4:110,011,381, T>C. VCF-style: chr4-110011381-T-C. GRCh37 (hg19) VCF-style: chr4-110932537-T-C.
Other names: c.3427T>C, p.Ser1143Pro (NM_001178130.3); c.3424T>C, p.Ser1142Pro (NM_001178131.3); c.*69T>C (NM_001357021.2); short protein forms S1143P, S1142P, S1184P.
Identifiers: ClinVar variation 2901812 (VCV002901812.3), dbSNP rs1198353769, ClinGen allele CA357875876.

ClinVar aggregate classification (germline): Uncertain significance (1 of 4 stars; one submission).

Allele frequency attached by ClinVar (database versions not stated): gnomAD exomes below 0.00001; TOPMed 0.00001.
gnomAD v4.1: 6 of 1,614,070 alleles (0.00037%); highest among the groups gnomAD compares: East Asian, 0.011%; no homozygotes.

Submission:

Labcorp Genetics (formerly Invitae), Labcorp
Classification: Uncertain significance. Last evaluated: 2023-10-13. Review status: criteria provided, single submitter. Criteria: Invitae Variant Classification Sherloc (09022015). Collection method: clinical testing. Allele origin: germline.
Comment: This sequence change replaces serine, which is neutral and polar, with proline, which is neutral and non-polar, at codon 1184 of the EGF protein (p.Ser1184Pro). This variant is present in population databases (no rsID available, gnomAD 0.02%). This variant has not been reported in the literature in individuals affected with EGF-related conditions. Algorithms developed to predict the effect of missense changes on protein structure and function output the following: SIFT: "Not Available"; PolyPhen-2: "Benign"; Align-GVGD: "Not Available". The proline amino acid residue is found in multiple mammalian species, which suggests that this missense change does not adversely affect protein function. In summary, the available evidence is currently insufficient to determine the role of this variant in disease. Therefore, it has been classified as a Variant of Uncertain Significance.